The following is an entry in ClinVar:

NM_000520.6(HEXA):c.32del (p.Leu11fs)

Gene: HEXA (hexosaminidase subunit alpha; minus strand). Cytogenetic location: 15q23.
Variant type: Deletion.
Coding change: c.32del on transcript NM_000520.6 (MANE Select); coding-DNA position 32, one base deleted (T; older notation c.32delT).
Protein change: p.Leu11fs; shifts the reading frame from leucine 11.
Molecular consequence: frameshift variant. On other transcripts: non-coding transcript variant (1).
Genome position (GRCh38, 1-based): chr15:72,375,941, A deleted on the plus strand (T on the coding strand, the reverse complement: HEXA is on the minus strand). VCF-style (leftmost placement, unchanged base first): chr15-72375940-CA-C. GRCh37 (hg19) VCF-style: chr15-72668281-CA-C.
Other names: c.32del, p.Leu11fs (NM_001318825.2); short protein forms L11fs.
Identifiers: ClinVar variation 1076944 (VCV001076944.7), dbSNP rs2140344855, ClinGen allele CA2499223084.

ClinVar aggregate classification (germline): Pathogenic (1 of 4 stars; one submission).

Conditions:
Tay-Sachs disease (TSD). Also called: HEXA DEFICIENCY; HEXA Disorders; GM2 gangliosidosis, type 1; Hexosaminidase alpha-subunit deficiency (variant B); Sphingolipidosis, Tay-Sachs; Hexosaminidase A Deficiency. Identifiers: Orphanet 845, MedGen C0039373, MONDO:0010100, OMIM 272800.

Submission:

Labcorp Genetics (formerly Invitae), Labcorp
Classification: Pathogenic for Tay-Sachs disease. Last evaluated: 2020-04-14. Review status: criteria provided, single submitter. Criteria: Invitae Variant Classification Sherloc (09022015). Collection method: clinical testing. Allele origin: germline.
Comment: For these reasons, this variant has been classified as Pathogenic. Loss-of-function variants in HEXA are known to be pathogenic (PMID: 1833974, 8490625). This variant has not been reported in the literature in individuals with HEXA-related conditions. This variant is not present in population databases (ExAC no frequency). This sequence change creates a premature translational stop signal (p.Leu11Argfs*89) in the HEXA gene. It is expected to result in an absent or disrupted protein product.

Literature cited by the submitters: PubMed 1833974; PubMed 8490625.